The following is an entry in ClinVar:

ClinVar aggregate classification (germline): Uncertain significance. Review status: criteria provided, multiple submitters, no conflicts (2 of 4 stars). 4 submissions from 4 submitters: Uncertain significance (4). Last evaluated 2025-02-15.

Conditions:
RANBP2-related disorder. Also called: RANBP2-related condition.
Familial acute necrotizing encephalopathy (IIAE3). Also called: ENCEPHALOPATHY, ACUTE, INFECTION-INDUCED, SUSCEPTIBILITY TO, 3; Susceptibility to Acute Necrotizing Encephalopathy 1. Identifiers: Orphanet 88619, MedGen C2675556, MONDO:0011953, OMIM 608033.

Allele frequency attached by ClinVar (database versions not stated): ExAC 0.00001; gnomAD exomes 0.00001; TOPMed 0.00002; gnomAD 0.00003; ESP Exome Variant Server 0.00008.
gnomAD v4.1: 124 of 1,614,022 alleles (0.0077%); highest among the groups gnomAD compares: Non-Finnish European, 0.01%; 1 homozygote.

Submissions (4):

PreventionGenetics, part of Exact Sciences
Classification: Uncertain significance for RANBP2-related condition. Last evaluated: 2025-02-15. Review status: criteria provided, single submitter. Criteria: ACMG Guidelines, 2015. Collection method: clinical testing. Allele origin: germline.
Comment: The RANBP2 c.9215C>T variant is predicted to result in the amino acid substitution p.Ala3072Val. To our knowledge, this variant has not been reported in the literature. This variant is reported in 0.0054% of alleles in individuals of European (Non-Finnish) descent in gnomAD. At this time, the clinical significance of this variant is uncertain due to the absence of conclusive functional and genetic evidence.

Ambry Genetics
Classification: Uncertain significance. Last evaluated: 2023-02-27. Review status: criteria provided, single submitter. Criteria: Ambry Variant Classification Scheme 2023. Collection method: clinical testing. Allele origin: germline.

Labcorp Genetics (formerly Invitae), Labcorp
Classification: Uncertain significance for Familial acute necrotizing encephalopathy. Last evaluated: 2021-09-02. Review status: criteria provided, single submitter. Criteria: Invitae Variant Classification Sherloc (09022015). Collection method: clinical testing. Allele origin: germline.
Comment: This sequence change replaces alanine with valine at codon 3072 of the RANBP2 protein (p.Ala3072Val). The alanine residue is highly conserved and there is a small physicochemical difference between alanine and valine. This variant is present in population databases (rs368398572, ExAC 0.001%). This variant has not been reported in the literature in individuals affected with RANBP2-related conditions. Algorithms developed to predict the effect of missense changes on protein structure and function output the following: SIFT: "Tolerated"; PolyPhen-2: "Possibly Damaging"; Align-GVGD: "Class C0". The valine amino acid residue is found in multiple mammalian species, which suggests that this missense change does not adversely affect protein function. In summary, the available evidence is currently insufficient to determine the role of this variant in disease. Therefore, it has been classified as a Variant of Uncertain Significance.

Revvity Omics, Revvity
Classification: Uncertain significance. Last evaluated: 2021-03-04. Review status: criteria provided, single submitter. Criteria: ACMG Guidelines, 2015. Collection method: clinical testing. Allele origin: germline.

NM_006267.5(RANBP2):c.9215C>T (p.Ala3072Val)

Gene: RANBP2 (RAN binding protein 2; plus strand). Cytogenetic location: 2q13.
Variant type: single nucleotide variant.
Coding change: c.9215C>T on transcript NM_006267.5 (MANE Select); coding-DNA position 9215, C replaced by T.
Protein change: p.Ala3072Val; replaces alanine 3072 with valine.
Molecular consequence: missense variant.
Genome position (GRCh38, 1-based): chr2:108,782,708, C>T. VCF-style: chr2-108782708-C-T. GRCh37 (hg19) VCF-style: chr2-109399164-C-T.
Other names: short protein forms A3072V.
Identifiers: ClinVar variation 580217 (VCV000580217.12), dbSNP rs368398572, ClinGen allele CA1823984.